The following is an entry in ClinVar:

ClinVar aggregate classification (germline): Uncertain significance. Review status: criteria provided, multiple submitters, no conflicts (2 of 4 stars). 5 submissions from 5 submitters: Uncertain significance (4). 1 of the submissions does not count toward it. Last evaluated 2022-06-13.

Conditions:
PCNT-related disorder. Also called: PCNT-related condition.
Microcephalic osteodysplastic primordial dwarfism type II (MOPD2). Also called: Microcephalic osteodysplastic primordial dwarfism with tooth abnormalities; MOPD II; OSTEODYSPLASTIC PRIMORDIAL DWARFISM, TYPE II. Identifiers: Orphanet 2637, MedGen C0432246, MONDO:0008872, OMIM 210720.

Allele frequency attached by ClinVar (database versions not stated): ExAC 0.00002; TOPMed 0.00002; gnomAD 0.00003; ESP Exome Variant Server 0.00008.
gnomAD v4.1: 57 of 1,613,804 alleles (0.0035%); highest among the groups gnomAD compares: Admixed American, 0.017%; no homozygotes.

Submissions (5):

Labcorp Genetics (formerly Invitae), Labcorp
Classification: Uncertain significance. Last evaluated: 2022-06-13. Review status: criteria provided, single submitter. Criteria: Invitae Variant Classification Sherloc (09022015). Collection method: clinical testing. Allele origin: germline.
Comment: This sequence change replaces proline, which is neutral and non-polar, with leucine, which is neutral and non-polar, at codon 2379 of the PCNT protein (p.Pro2379Leu). This variant is present in population databases (rs151230453, gnomAD 0.02%). This variant has not been reported in the literature in individuals affected with PCNT-related conditions. ClinVar contains an entry for this variant (Variation ID: 196786). Algorithms developed to predict the effect of missense changes on protein structure and function output the following: SIFT: "Tolerated"; PolyPhen-2: "Benign"; Align-GVGD: "Class C0". The leucine amino acid residue is found in multiple mammalian species, which suggests that this missense change does not adversely affect protein function. In summary, the available evidence is currently insufficient to determine the role of this variant in disease. Therefore, it has been classified as a Variant of Uncertain Significance.

Fulgent Genetics
Classification: Uncertain significance for Microcephalic osteodysplastic primordial dwarfism type II. Last evaluated: 2018-10-31. Review status: criteria provided, single submitter. Criteria: ACMG Guidelines, 2015. Collection method: clinical testing. Allele origin: unknown.

Eurofins Ntd Llc (ga)
Classification: Uncertain significance. Last evaluated: 2015-05-11. Review status: criteria provided, single submitter. Criteria: EGL Classification Definitions 2015. Collection method: clinical testing. Allele origin: germline. Observed: 1 variant allele, 1 heterozygote.

Breakthrough Genomics
Classification: Uncertain significance. Review status: criteria provided, single submitter. Criteria: ACMG Guidelines, 2015. Collection method: not provided. Allele origin: germline. Inheritance: Autosomal dominant inheritance. Affected: yes.

PreventionGenetics, part of Exact Sciences
Classification: Uncertain significance for PCNT-related condition. Last evaluated: 2024-07-30. Review status: no assertion criteria provided. Collection method: clinical testing. Allele origin: germline. Not counted in ClinVar's aggregate classification.
Comment: The PCNT c.7136C>T variant is predicted to result in the amino acid substitution p.Pro2379Leu. To our knowledge, this variant has not been reported in the literature. This variant is reported in 0.020% of alleles in individuals of Latino descent in gnomAD. At this time, the clinical significance of this variant is uncertain due to the absence of conclusive functional and genetic evidence.

NM_006031.6(PCNT):c.7136C>T (p.Pro2379Leu)

Gene: PCNT (pericentrin; plus strand). Cytogenetic location: 21q22.3.
Variant type: single nucleotide variant.
Coding change: c.7136C>T on transcript NM_006031.6 (MANE Select); coding-DNA position 7136, C replaced by T.
Protein change: p.Pro2379Leu; replaces proline 2379 with leucine.
Molecular consequence: missense variant.
Genome position (GRCh38, 1-based): chr21:46,422,081, C>T. VCF-style: chr21-46422081-C-T. GRCh37 (hg19) VCF-style: chr21-47841995-C-T.
Other names: c.6782C>T, p.Pro2261Leu (NM_001315529.2); c.7136C>T (NM_006031.5); short protein forms P2379L, P2261L.
Identifiers: ClinVar variation 196786 (VCV000196786.10), dbSNP rs151230453, ClinGen allele CA244157.
Genomic context (GRCh38, chr21:46,422,081, plus strand): 5'-AGGCTCAAACTGCTGGTCCTGTGACCCCTGCTTCCATCTCTGGAAGGTTTCAGCCGCTGC[C>T]GGAAGCCATGAAGGAGAAGGAAGTGCGTCCGAAGCACGTGAAGGTATGGCTGGCAGGGGC-3'
Protein context (NP_006022.3, residues 2369-2389): ASISGRFQPL[Pro2379Leu]EAMKEKEVRP